The following is an entry in ClinVar:

ClinVar aggregate classification (germline): Uncertain significance (1 of 4 stars; one submission).

gnomAD v4.1: 2 of 1,613,444 alleles (0.00012%); highest among the groups gnomAD compares: Non-Finnish European, 0.00017%; no homozygotes.

Submission:

CeGaT Center for Human Genetics Tuebingen
Classification: Uncertain significance. Last evaluated: 2024-11-01. Review status: criteria provided, single submitter. Criteria: CeGaT Center For Human Genetics Tuebingen Variant Classification Criteria Version 2. Collection method: clinical testing. Allele origin: germline. Affected: yes. Observed: 1 variant allele.
Comment: TTN: PM2

NM_001267550.2(TTN):c.97591G>A (p.Val32531Met)

Genes: TTN (titin; minus strand), TTN-AS1 (TTN antisense RNA 1; plus strand). Cytogenetic location: 2q31.2.
Variant type: single nucleotide variant.
Coding change: c.97591G>A on transcript NM_001267550.2 (MANE Select); coding-DNA position 97591, G replaced by A.
Protein change: p.Val32531Met; replaces valine 32531 with methionine.
Molecular consequence: missense variant.
Genome position (GRCh38, 1-based): chr2:178,541,486, C>T on the plus strand (G>A on the coding strand, the complement: TTN is on the minus strand). VCF-style: chr2-178541486-C-T. GRCh37 (hg19) VCF-style: chr2-179406213-C-T.
Other names: c.92668G>A, p.Val30890Met (NM_001256850.1); c.70396G>A, p.Val23466Met (NM_003319.4); c.89887G>A, p.Val29963Met (NM_133378.4); c.70771G>A, p.Val23591Met (NM_133432.3); c.70972G>A, p.Val23658Met (NM_133437.4); short protein forms V23466M, V23591M, V23658M, V29963M, V30890M, V32531M.
Identifiers: ClinVar variation 3390089 (VCV003390089.14).
Genomic context (GRCh38, chr2:178,541,486, plus strand): 5'-TATTTACACGGACCCATCGATCTGCTCTCACTTCTTTGCGCTCCACAATATATCCAGTCA[C>T]TTGGGAGCCACCGTCATCCTCTGGTGGGTACCAAGTAAGTGTCATGCCATCACGGGAAAC-3'
Protein context (NP_001254479.2, residues 32521-32541): YPPEDDGGSQ[Val32531Met]TGYIVERKEV